The following is an entry in ClinVar:

ClinVar aggregate classification (germline): Benign/Likely benign. Review status: criteria provided, multiple submitters, no conflicts (2 of 4 stars). 3 submissions from 3 submitters: Benign (1); Likely benign (2). Last evaluated 2026-06-08.

Conditions:
Hereditary cancer-predisposing syndrome. Also called: Hereditary Cancer Syndrome; Neoplastic Syndromes, Hereditary; Hereditary neoplastic syndrome; Tumor predisposition. Identifiers: Orphanet 140162, MedGen C0027672, MeSH D009386, MONDO:0015356.
Colorectal cancer, susceptibility to, 12 (CRCS12). Also called: COLORECTAL CANCER, SUSCEPTIBILITY TO, ON CHROMOSOME 12q24. Identifiers: Orphanet 220460, MedGen C3554460, MONDO:0014038, OMIM 615083.

Submissions (3):

Ambry Genetics
Classification: Likely benign for Hereditary cancer-predisposing syndrome. Last evaluated: 2026-06-08. Review status: criteria provided, single submitter. Criteria: Ambry Variant Classification Scheme 2023. Collection method: clinical testing. Allele origin: germline.

Labcorp Genetics (formerly Invitae), Labcorp
Classification: Likely benign. Last evaluated: 2025-03-16. Review status: criteria provided, single submitter. Criteria: Invitae Variant Classification Sherloc (09022015). Collection method: clinical testing. Allele origin: germline.

Myriad Genetics, Inc.
Classification: Benign for Colorectal cancer, susceptibility to, 12. Last evaluated: 2025-02-10. Review status: criteria provided, single submitter. Criteria: Myriad Autosomal Dominant, Autosomal Recessive and X-Linked Classification Criteria (2023). Collection method: clinical testing. Allele origin: unknown.
Comment: This variant is considered benign. This variant is a silent/synonymous amino acid change and it is not expected to impact splicing.

NM_006231.4(POLE):c.1164C>T (p.Gly388=)

Gene: POLE (DNA polymerase epsilon, catalytic subunit; minus strand). Cytogenetic location: 12q24.33.
Variant type: single nucleotide variant.
Coding change: c.1164C>T on transcript NM_006231.4 (MANE Select); coding-DNA position 1164, C replaced by T.
Protein change: p.Gly388=; no amino-acid change (glycine 388 retained).
Molecular consequence: synonymous variant.
Genome position (GRCh38, 1-based): chr12:132,675,460, G>A on the plus strand (C>T on the coding strand, the complement: POLE is on the minus strand). VCF-style: chr12-132675460-G-A. GRCh37 (hg19) VCF-style: chr12-133252046-G-A.
Other names: c.1164C>T (NM_006231.2).
Identifiers: ClinVar variation 1652766 (VCV001652766.10), dbSNP rs559197871, ClinGen allele CA246298125.